The following is an entry in ClinVar:

NM_138694.4(PKHD1):c.10228C>T (p.Gln3410Ter)

Gene: PKHD1 (PKHD1 ciliary IPT domain containing fibrocystin/polyductin; minus strand). Cytogenetic location: 6p12.3.
Variant type: single nucleotide variant.
Coding change: c.10228C>T on transcript NM_138694.4 (MANE Select); coding-DNA position 10228, C replaced by T.
Protein change: p.Gln3410Ter; replaces glutamine 3410 with a stop codon.
Molecular consequence: nonsense.
Genome position (GRCh38, 1-based): chr6:51,659,898, G>A on the plus strand (C>T on the coding strand, the complement: PKHD1 is on the minus strand). VCF-style: chr6-51659898-G-A. GRCh37 (hg19) VCF-style: chr6-51524696-G-A.
Other names: short protein forms Q3410*.
Identifiers: ClinVar variation 2780085 (VCV002780085.3), dbSNP rs746976599, ClinGen allele CA364437154.

ClinVar aggregate classification (germline): Pathogenic (1 of 4 stars; one submission).

Conditions:
Autosomal recessive polycystic kidney disease (ARPKD). Also called: AR polycystic kidney disease. Identifiers: Orphanet 731, Orphanet 8378, MedGen C0085548, MeSH D017044, MONDO:0009889.

Submission:

Labcorp Genetics (formerly Invitae), Labcorp
Classification: Pathogenic for Autosomal recessive polycystic kidney disease. Last evaluated: 2022-11-30. Review status: criteria provided, single submitter. Criteria: Invitae Variant Classification Sherloc (09022015). Collection method: clinical testing. Allele origin: germline.
Comment: This sequence change creates a premature translational stop signal (p.Gln3410*) in the PKHD1 gene. It is expected to result in an absent or disrupted protein product. Loss-of-function variants in PKHD1 are known to be pathogenic (PMID: 19940839). This variant is not present in population databases (gnomAD no frequency). This premature translational stop signal has been observed in individual(s) with PKHD1-related conditions (PMID: 32384486). For these reasons, this variant has been classified as Pathogenic.

Literature cited by the submitters: PubMed 19940839; PubMed 32384486.